The following is an entry in ClinVar:

NC_000023.10:g.(?_31854815)_(32479520_?)del

Gene: DMD (dystrophin; minus strand). Cytogenetic location: Xp21.1.
Variant type: Deletion.
Identifiers: ClinVar variation 3247115 (VCV003247115.1).

ClinVar aggregate classification (germline): Pathogenic (1 of 4 stars; one submission).

Conditions:
Duchenne muscular dystrophy (DMD). Also called: MUSCULAR DYSTROPHY, PSEUDOHYPERTROPHIC PROGRESSIVE, DUCHENNE TYPE; Duchenne Muscular Dystrophy (DMD). Identifiers: Orphanet 98896, MedGen C0013264, MONDO:0010679, OMIM 310200.

Submission:

Labcorp Genetics (formerly Invitae), Labcorp
Classification: Pathogenic for Duchenne muscular dystrophy. Last evaluated: 2023-07-27. Review status: criteria provided, single submitter. Criteria: Invitae Variant Classification Sherloc (09022015). Collection method: clinical testing. Allele origin: unknown.
Comment: This variant is a gross deletion of the genomic region encompassing exon(s) 26-49 of the DMD gene. This variant would be expected to be in-frame, preserving the integrity of the reading frame. This variant has not been reported in the literature in individuals affected with DMD-related conditions. This variant disrupts a region of the DMD protein in which other variant(s) (Deletion (Exons 43-44)) have been determined to be pathogenic (PMID: 1864612, 17259292). This suggests that this is a clinically significant region of the protein, and that variants that disrupt it are likely to be disease-causing. For these reasons, this variant has been classified as Pathogenic.

Literature cited by the submitters: PubMed 1864612; PubMed 17259292.